The following is an entry in ClinVar:

ClinVar aggregate classification (germline): Uncertain significance (1 of 4 stars; one submission).

Conditions:
Congenital sideroblastic anemia-B-cell immunodeficiency-periodic fever-developmental delay syndrome. Also called: Sideroblastic anemia with B-cell immunodeficiency, periodic fevers, and developmental delay. Identifiers: Orphanet 369861, MedGen C4015172, MONDO:0014487, OMIM 616084.

Allele frequency attached by ClinVar (database versions not stated): gnomAD exomes below 0.00001.
gnomAD v4.1: 2 of 1,611,804 alleles (0.00012%); highest among the groups gnomAD compares: Non-Finnish European, 0.00017%; no homozygotes.

Submission:

Labcorp Genetics (formerly Invitae), Labcorp
Classification: Uncertain significance for Congenital sideroblastic anemia-B-cell immunodeficiency-periodic fever-developmental delay syndrome. Last evaluated: 2022-02-25. Review status: criteria provided, single submitter. Criteria: Invitae Variant Classification Sherloc (09022015). Collection method: clinical testing. Allele origin: germline.
Comment: This variant is not present in population databases (gnomAD no frequency). This sequence change replaces glutamic acid, which is acidic and polar, with lysine, which is basic and polar, at codon 121 of the TRNT1 protein (p.Glu121Lys). This missense change has been observed in individual(s) with clinical features of sideroblastic anemia with associated B-cell immunodeficiency, periodic fevers and development delay (SIFD) (PMID: 33936027). In summary, the available evidence is currently insufficient to determine the role of this variant in disease. Therefore, it has been classified as a Variant of Uncertain Significance. Algorithms developed to predict the effect of missense changes on protein structure and function are either unavailable or do not agree on the potential impact of this missense change (SIFT: "Deleterious"; PolyPhen-2: "Probably Damaging"; Align-GVGD: "Class C15").

Literature cited by the submitters: PubMed 33936027.

NM_182916.3(TRNT1):c.361G>A (p.Glu121Lys)

Gene: TRNT1 (tRNA nucleotidyl transferase 1; plus strand). Cytogenetic location: 3p26.2.
Variant type: single nucleotide variant.
Coding change: c.361G>A on transcript NM_182916.3 (MANE Select); coding-DNA position 361, G replaced by A.
Protein change: p.Glu121Lys; replaces glutamic acid 121 with lysine.
Molecular consequence: missense variant. On other transcripts: non-coding transcript variant (6).
Genome position (GRCh38, 1-based): chr3:3,140,528, G>A. VCF-style: chr3-3140528-G-A. GRCh37 (hg19) VCF-style: chr3-3182212-G-A.
Other names: c.361G>A, p.Glu121Lys (NM_001302946.2, NM_001367321.1, NM_001367322.1 and 1 more transcripts); short protein forms E121K.
Identifiers: ClinVar variation 1345884 (VCV001345884.8), dbSNP rs2126022941, ClinGen allele CA351443828.